The following is an entry in ClinVar:

NM_024675.4(PALB2):c.3550C>A (p.His1184Asn)

Gene: PALB2 (partner and localizer of BRCA2; minus strand). Cytogenetic location: 16p12.2.
Variant type: single nucleotide variant.
Coding change: c.3550C>A on transcript NM_024675.4 (MANE Select); coding-DNA position 3550, C replaced by A.
Protein change: p.His1184Asn; replaces histidine 1184 with asparagine.
Molecular consequence: missense variant. On other transcripts: 3 prime UTR variant (5).
Genome position (GRCh38, 1-based): chr16:23,603,470, G>T on the plus strand (C>A on the coding strand, the complement: PALB2 is on the minus strand). VCF-style: chr16-23603470-G-T. GRCh37 (hg19) VCF-style: chr16-23614791-G-T.
Other names: c.3490C>A, p.His1164Asn (NM_001407296.1); c.3478C>A, p.His1160Asn (NM_001407297.1); c.3388C>A, p.His1130Asn (NM_001407298.1); c.3313C>A, p.His1105Asn (NM_001407299.1); c.3271C>A, p.His1091Asn (NM_001407300.1); c.*185C>A (NM_001407301.1, NM_001407302.1, NM_001407310.1 and 2 more transcripts); c.2665C>A, p.His889Asn (NM_001407304.1, NM_001407305.1, NM_001407306.1); c.2503C>A, p.His835Asn (NM_001407307.1); and 3 more; short protein forms H1091N, H1105N, H1130N, H1160N, H1164N, H1184N, H362N, H588N.
Identifiers: ClinVar variation 3340220 (VCV003340220.1).

ClinVar aggregate classification (germline): Uncertain significance (1 of 4 stars; one submission).

Submission:

GeneDx
Classification: Uncertain significance. Last evaluated: 2023-05-04. Review status: criteria provided, single submitter. Criteria: GeneDx Variant Classification Process June 2021. Collection method: clinical testing. Allele origin: germline. Affected: yes.
Comment: Not observed at significant frequency in large population cohorts (gnomAD); In silico analysis supports that this missense variant does not alter protein structure/function; Has not been previously published as pathogenic or benign to our knowledge; This variant is associated with the following publications: (PMID: 24485656, 19609323, 20871615)